The following is an entry in ClinVar:

ClinVar aggregate classification (germline): Uncertain significance. Review status: criteria provided, single submitter (1 of 4 stars). 2 submissions from 2 submitters: Uncertain significance (1). 1 of the submissions does not count toward it. Last evaluated 2022-04-25.

Conditions:
Combined oxidative phosphorylation deficiency 55 (COXPD55). Identifiers: MedGen C5676915, MONDO:0859228, OMIM 619743.

Allele frequency attached by ClinVar (database versions not stated): ExAC 0.00003; gnomAD exomes 0.00001 and 0.00002; TOPMed 0.00001.
gnomAD v4.1: 13 of 1,601,824 alleles (0.00081%); highest among the groups gnomAD compares: Non-Finnish European, 0.0011%; no homozygotes.

Submissions (2):

Center for Human Genetics and Genomic Medicine, Uniklinik Rwth Aachen
Classification: Uncertain significance for Combined oxidative phosphorylation deficiency 55. Last evaluated: 2022-04-25. Review status: criteria provided, single submitter. Criteria: ACMG Guidelines, 2015. Collection method: clinical testing. Allele origin: paternal. Inheritance: Autosomal recessive inheritance. Affected: yes. Observed: 1 heterozygote.
Comment: The detected change is reported in the dbSNP database (dbSNP151 as of 04/25/2022) with the designation rs764240322. In gnomAD it is listed with a frequency of 0.002144% (5/233172) (as of April 25, 2022). Bioinformatically, the change is classified inconsistently as "probably disease-causing" (CADDphred 33) or as more benign (mutation taster). Since this is a highly conserved amino acid, the variant may have an influence on the function of the protein. Based on the current state of knowledge, the variant can be classified as a “variant of uncertain clinical significance” (ACMG criteria).

OMIM
Classification: Pathogenic for COMBINED OXIDATIVE PHOSPHORYLATION DEFICIENCY 55. Last evaluated: 2025-12-29. Review status: no assertion criteria provided. Collection method: literature only. Allele origin: germline. Not counted in ClinVar's aggregate classification.

Literature cited by the submitters: PubMed 40583167 (cited by OMIM).

NM_005035.4(POLRMT):c.1855G>A (p.Gly619Ser)

Gene: POLRMT (RNA polymerase mitochondrial; minus strand). Cytogenetic location: 19p13.3.
Variant type: single nucleotide variant.
Coding change: c.1855G>A on transcript NM_005035.4 (MANE Select); coding-DNA position 1855, G replaced by A.
Protein change: p.Gly619Ser; replaces glycine 619 with serine.
Molecular consequence: missense variant.
Genome position (GRCh38, 1-based): chr19:621,843, C>T on the plus strand (G>A on the coding strand, the complement: POLRMT is on the minus strand). VCF-style: chr19-621843-C-T. GRCh37 (hg19) VCF-style: chr19-621843-C-T.
Other names: POLRMT, GLY619SER (rs764240322); short protein forms G619S.
Identifiers: ClinVar variation 1679187 (VCV001679187.4), dbSNP rs764240322, ClinGen allele CA9020110.